The following is an entry in ClinVar:

ClinVar aggregate classification (germline): Pathogenic (1 of 4 stars; one submission).

Conditions:
RYR1-related disorder. Also called: RYR1-related condition; RYR1-related disorders. Identifiers: MedGen CN239331.

Allele frequency attached by ClinVar (database versions not stated): ExAC 0.00012.

Submission:

Labcorp Genetics (formerly Invitae), Labcorp
Classification: Pathogenic for RYR1-related disorder. Last evaluated: 2021-04-27. Review status: criteria provided, single submitter. Criteria: Invitae Variant Classification Sherloc (09022015). Collection method: clinical testing. Allele origin: germline.
Comment: For these reasons, this variant has been classified as Pathogenic. This variant has not been reported in the literature in individuals with RYR1-related conditions. This variant is present in population databases (rs770517037, ExAC 0.3%). This sequence change creates a premature translational stop signal (p.Glu4256*) in the RYR1 gene. It is expected to result in an absent or disrupted protein product. Loss-of-function variants in RYR1 are known to be pathogenic (PMID: 20583297, 20839240, 23919265, 28818389).

Literature cited by the submitters: PubMed 20583297; PubMed 20839240; PubMed 23919265; PubMed 28818389.

NM_000540.3(RYR1):c.12766G>T (p.Glu4256Ter)

Gene: RYR1 (ryanodine receptor 1; plus strand). Cytogenetic location: 19q13.2.
Variant type: single nucleotide variant.
Coding change: c.12766G>T on transcript NM_000540.3 (MANE Select); coding-DNA position 12766, G replaced by T.
Protein change: p.Glu4256Ter; replaces glutamic acid 4256 with a stop codon.
Molecular consequence: nonsense.
Genome position (GRCh38, 1-based): chr19:38,565,100, G>T. VCF-style: chr19-38565100-G-T. GRCh37 (hg19) VCF-style: chr19-39055740-G-T.
Other names: c.12751G>T, p.Glu4251Ter (NM_001042723.2); short protein forms E4256*, E4251*.
Identifiers: ClinVar variation 1415771 (VCV001415771.6), dbSNP rs770517037, ClinGen allele CA059417.
Genomic context (GRCh38, chr19:38,565,100, plus strand): 5'-TTCTGCGAGGACACCATCTTCGAGATGCAGATCGCCGCGCAGATCTCGGAGCCCGAGGGC[G>T]AGCCGGAGACCGACGAGGACGAGGGCGCGGGCGCGGCGGAGGCGGGCGCGGAAGGCGCGG-3'